The following is an entry in ClinVar:

NM_015425.6(POLR1A):c.2000G>A (p.Arg667His)

Gene: POLR1A (RNA polymerase I subunit A; minus strand). Cytogenetic location: 2p11.2.
Variant type: single nucleotide variant.
Coding change: c.2000G>A on transcript NM_015425.6 (MANE Select); coding-DNA position 2000, G replaced by A.
Protein change: p.Arg667His; replaces arginine 667 with histidine.
Molecular consequence: missense variant.
Genome position (GRCh38, 1-based): chr2:86,065,332, C>T on the plus strand (G>A on the coding strand, the complement: POLR1A is on the minus strand). VCF-style: chr2-86065332-C-T. GRCh37 (hg19) VCF-style: chr2-86292455-C-T.
Other names: short protein forms R667H.
Identifiers: ClinVar variation 451360 (VCV000451360.13), dbSNP rs551886268, ClinGen allele CA1746195.
Genomic context (GRCh38, chr2:86,065,332, plus strand): 5'-ACCTGTTTTCCTGTCCACAGCGGAAAGGGCTTCAGGATGGAAGGAGAAAGGAGCTTCACG[C>T]GCCCCACTTTGTCCGTGAGTCCTCGGTACACCAGCTCCATATAGTGCTCCCGGGTGAAAA-3'
Protein context (NP_056240.2, residues 657-677): VYRGLTDKVG[Arg667His]VKLLSPSILK

ClinVar aggregate classification (germline): Conflicting classifications of pathogenicity. Review status: criteria provided, conflicting classifications (1 of 4 stars). 4 submissions from 4 submitters: Uncertain significance (3); Likely benign (1). Last evaluated 2025-09-28.

Conditions:
Inborn genetic diseases. Identifiers: MedGen C0950123, MeSH D030342.

Allele frequency attached by ClinVar (database versions not stated): gnomAD 0.00013; gnomAD exomes 0.00018; 1000 Genomes Project 0.00020; ExAC 0.00022; 1000 Genomes Project 30x 0.00031; TOPMed 0.00010.
gnomAD v4.1: 277 of 1,614,112 alleles (0.017%); highest among the groups gnomAD compares: East Asian, 0.053%; no homozygotes.

Submissions (4):

Ambry Genetics
Classification: Uncertain significance for Inborn genetic diseases. Last evaluated: 2025-09-28. Review status: criteria provided, single submitter. Criteria: Ambry Variant Classification Scheme 2023. Collection method: clinical testing. Allele origin: germline.

Labcorp Genetics (formerly Invitae), Labcorp
Classification: Uncertain significance. Last evaluated: 2025-09-02. Review status: criteria provided, single submitter. Criteria: Invitae Variant Classification Sherloc (09022015). Collection method: clinical testing. Allele origin: germline.
Comment: This sequence change replaces arginine, which is basic and polar, with histidine, which is basic and polar, at codon 667 of the POLR1A protein (p.Arg667His). This variant is present in population databases (rs551886268, gnomAD 0.03%). This variant has not been reported in the literature in individuals affected with POLR1A-related conditions. ClinVar contains an entry for this variant (Variation ID: 451360). Invitae Evidence Modeling of protein sequence and biophysical properties (such as structural, functional, and spatial information, amino acid conservation, physicochemical variation, residue mobility, and thermodynamic stability) indicates that this missense variant is expected to disrupt POLR1A protein function with a positive predictive value of 80%. In summary, the available evidence is currently insufficient to determine the role of this variant in disease. Therefore, it has been classified as a Variant of Uncertain Significance.

Blueprint Genetics
Classification: Likely benign. Last evaluated: 2024-09-12. Review status: criteria provided, single submitter. Criteria: ACMG Guidelines, 2015. Collection method: clinical testing. Allele origin: germline.

GeneDx
Classification: Uncertain significance. Last evaluated: 2017-08-16. Review status: criteria provided, single submitter. Criteria: GeneDx Variant Classification (06012015). Collection method: clinical testing. Allele origin: germline. Affected: yes.
Comment: The R667H variant in the POLR1A gene has not been reported previously as a pathogenic variant, nor as a benign variant, to our knowledge. The R667H variant is observed in 10/16510 (0.06%) alleles from individuals of South Asian background in the ExAC dataset (Lek et al., 2016). The R667H variant is a conservative amino acid substitution, which is not likely to impact secondary protein structure as these residues share similar properties. This substitution occurs at a position that is not conserved across species. In silico analysis is inconsistent in its predictions as to whether or not the variant is damaging to the protein structure/function. We interpret R667H as a variant of uncertain significance.